The following is an entry in ClinVar:

ClinVar aggregate classification (germline): Uncertain significance (1 of 4 stars; one submission).

Conditions:
MAPK8IP3-related disorder. Also called: MAPK8IP3-related condition.

Allele frequency attached by ClinVar (database versions not stated): gnomAD exomes below 0.00001.
gnomAD v4.1: 5 of 1,610,892 alleles (0.00031%); highest among the groups gnomAD compares: Non-Finnish European, 0.00042%; no homozygotes.

Submission:

PreventionGenetics, part of Exact Sciences
Classification: Uncertain significance for MAPK8IP3-related condition. Last evaluated: 2023-05-15. Review status: criteria provided, single submitter. Criteria: ACMG Guidelines, 2015. Collection method: clinical testing. Allele origin: germline.
Comment: The MAPK8IP3 c.1098-4A>G variant is predicted to interfere with splicing. This variant is predicted to activate a cryptic splice site and may result in an in-frame 1-amino acid insertion (Alamut Visual Plus v1.6.1). To our knowledge, this variant has not been reported in the literature or in a large population database, indicating it is rare. At this time, the clinical significance of this variant is uncertain due to the absence of conclusive functional and genetic evidence.

NM_001318852.2(MAPK8IP3):c.1098-4A>G

Gene: MAPK8IP3 (mitogen-activated protein kinase 8 interacting protein 3; plus strand). Cytogenetic location: 16p13.3.
Variant type: single nucleotide variant.
Coding change: c.1098-4A>G on transcript NM_001318852.2 (MANE Select); 4 bases into the intron before coding-DNA position 1098, A replaced by G.
Molecular consequence: intron variant.
Genome position (GRCh38, 1-based): chr16:1,748,598, A>G. VCF-style: chr16-1748598-A-G. GRCh37 (hg19) VCF-style: chr16-1798599-A-G.
Other names: c.1095-4A>G (NM_015133.5, NM_001040439.2).
Identifiers: ClinVar variation 2632819 (VCV002632819.1), dbSNP rs2548063073, ClinGen allele CA2573105918.